The following is an entry in ClinVar:

NM_005120.3(MED12):c.679G>C (p.Glu227Gln)

Gene: MED12 (mediator complex subunit 12; plus strand). Cytogenetic location: Xq13.1.
Variant type: single nucleotide variant.
Coding change: c.679G>C on transcript NM_005120.3 (MANE Select); coding-DNA position 679, G replaced by C.
Protein change: p.Glu227Gln; replaces glutamic acid 227 with glutamine.
Molecular consequence: missense variant.
Genome position (GRCh38, 1-based): chrX:71,121,096, G>C. VCF-style: chrX-71121096-G-C. GRCh37 (hg19) VCF-style: chrX-70340946-G-C.
Other names: short protein forms E227Q.
Identifiers: ClinVar variation 1755494 (VCV001755494.2), dbSNP rs2519666074, ClinGen allele CA413500962.

ClinVar aggregate classification (germline): Uncertain significance (1 of 4 stars; one submission).

Conditions:
Familial thoracic aortic aneurysm and aortic dissection (TAAD). Also called: Thoracic aortic aneurysms and dissections. Identifiers: Orphanet 91387, MedGen C4707243, MONDO:0019625.

Submission:

Ambry Genetics
Classification: Uncertain significance for Familial thoracic aortic aneurysm and aortic dissection. Last evaluated: 2019-01-25. Review status: criteria provided, single submitter. Criteria: Ambry Variant Classification Scheme 2023. Collection method: clinical testing. Allele origin: germline.
Comment: The p.E227Q variant (also known as c.679G>C), located in coding exon 5 of the MED12 gene, results from a G to C substitution at nucleotide position 679. The glutamic acid at codon 227 is replaced by glutamine, an amino acid with highly similar properties. This amino acid position is highly conserved in available vertebrate species. In addition, this alteration is predicted to be tolerated by in silico analysis. Since supporting evidence is limited at this time, the clinical significance of this alteration remains unclear.